The following is an entry in ClinVar:

NM_000057.4(BLM):c.2693G>A (p.Arg898Lys)

Gene: BLM (BLM RecQ like helicase; plus strand). Cytogenetic location: 15q26.1.
Variant type: single nucleotide variant.
Coding change: c.2693G>A on transcript NM_000057.4 (MANE Select); coding-DNA position 2693, G replaced by A.
Protein change: p.Arg898Lys; replaces arginine 898 with lysine.
Molecular consequence: missense variant.
Genome position (GRCh38, 1-based): chr15:90,784,951, G>A. VCF-style: chr15-90784951-G-A. GRCh37 (hg19) VCF-style: chr15-91328181-G-A.
Other names: c.2693G>A, p.Arg898Lys (NM_001287246.2, NM_001287247.2); c.1568G>A, p.Arg523Lys (NM_001287248.2); short protein forms R523K, R898K.
Identifiers: ClinVar variation 3384861 (VCV003384861.2).

ClinVar aggregate classification (germline): Uncertain significance. Review status: criteria provided, multiple submitters, no conflicts (2 of 4 stars). 2 submissions from 2 submitters: Uncertain significance (2). Last evaluated 2025-06-24.

Conditions:
Bloom syndrome (BLM). Also called: Bloom-Torre-Machacek syndrome. Identifiers: Orphanet 125, MedGen C0005859, MONDO:0008876, OMIM 210900.

Submissions (2):

Labcorp Genetics (formerly Invitae), Labcorp
Classification: Uncertain significance for Bloom syndrome. Last evaluated: 2025-06-24. Review status: criteria provided, single submitter. Criteria: Invitae Variant Classification Sherloc (09022015). Collection method: clinical testing. Allele origin: germline.
Comment: This sequence change replaces arginine, which is basic and polar, with lysine, which is basic and polar, at codon 898 of the BLM protein (p.Arg898Lys). This variant is not present in population databases (gnomAD no frequency). This variant has not been reported in the literature in individuals affected with BLM-related conditions. ClinVar contains an entry for this variant (Variation ID: 3384861). Invitae Evidence Modeling of protein sequence and biophysical properties (such as structural, functional, and spatial information, amino acid conservation, physicochemical variation, residue mobility, and thermodynamic stability) indicates that this missense variant is not expected to disrupt BLM protein function with a negative predictive value of 80%. In summary, the available evidence is currently insufficient to determine the role of this variant in disease. Therefore, it has been classified as a Variant of Uncertain Significance.

Women's Health and Genetics/Laboratory Corporation of America, LabCorp
Classification: Uncertain significance. Last evaluated: 2024-10-08. Review status: criteria provided, single submitter. Criteria: LabCorp Variant Classification Summary - May 2015. Collection method: clinical testing. Allele origin: germline.
Comment: Variant summary: BLM c.2693G>A (p.Arg898Lys) results in a conservative amino acid change located in the Helicase, C-terminal domain-like (IPR001650) of the encoded protein sequence. Three of five in-silico tools predict a benign effect of the variant on protein function. The variant was absent in 251398 control chromosomes. The available data on variant occurrences in the general population are insufficient to allow any conclusion about variant significance. c.2693G>A has been reported as heterozygous genotype in the literature in an individual affected with Premature ovarian insufficiency (Ke_2022). These report(s) do not provide unequivocal conclusions about association of the variant with Bloom Syndrome. To our knowledge, no experimental evidence demonstrating an impact on protein function has been reported. The following publication have been ascertained in the context of this evaluation (PMID: 36732629). No submitters have cited clinical-significance assessments for this variant to ClinVar. Based on the evidence outlined above, the variant was classified as uncertain significance.

Literature cited by the submitters: PubMed 36732629 (cited by Women's Health and Genetics/Laboratory Corporation of America, LabCorp).